The following is an entry in ClinVar:

ClinVar aggregate classification (germline): Likely benign. Review status: criteria provided, multiple submitters, no conflicts (2 of 4 stars). 3 submissions from 3 submitters: Likely benign (3). Last evaluated 2026-04-21.

Conditions:
CEP78-related disorder. Also called: CEP78-related condition.

Allele frequency attached by ClinVar (database versions not stated): gnomAD exomes 0.00001; ExAC 0.00003; gnomAD 0.00004 and 0.00008; TOPMed 0.00004; ESP Exome Variant Server 0.00008; 1000 Genomes Project 30x 0.00062; 1000 Genomes Project 0.00080.
gnomAD v4.1: 29 of 1,536,692 alleles (0.0019%); highest among the groups gnomAD compares: African/African-American, 0.031%; no homozygotes.

Submissions (3):

PreventionGenetics, part of Exact Sciences
Classification: Likely benign for CEP78-related condition. Last evaluated: 2026-04-21. Review status: criteria provided, single submitter. Criteria: ACMG Guidelines, 2015. Collection method: clinical testing. Allele origin: germline.
Comment: This variant is classified as likely benign based on ACMG/AMP sequence variant interpretation guidelines (Richards et al. 2015 PMID: 25741868, with internal and published modifications).

Blueprint Genetics
Classification: Likely benign. Last evaluated: 2024-10-08. Review status: criteria provided, single submitter. Criteria: ACMG Guidelines, 2015. Collection method: clinical testing. Allele origin: germline.

Labcorp Genetics (formerly Invitae), Labcorp
Classification: Likely benign. Last evaluated: 2023-12-28. Review status: criteria provided, single submitter. Criteria: Invitae Variant Classification Sherloc (09022015). Collection method: clinical testing. Allele origin: germline.

NM_001330691.3(CEP78):c.957+7C>A

Gene: CEP78 (centrosomal protein 78; plus strand). Cytogenetic location: 9q21.2.
Variant type: single nucleotide variant.
Coding change: c.957+7C>A on transcript NM_001330691.3 (MANE Select); 7 bases into the intron after coding-DNA position 957, C replaced by A.
Molecular consequence: intron variant.
Genome position (GRCh38, 1-based): chr9:78,248,362, C>A. VCF-style: chr9-78248362-C-A. GRCh37 (hg19) VCF-style: chr9-80863278-C-A.
Other names: c.957+7C>A (NM_001349839.2, NM_001349840.2, NM_001330693.3 and 5 more transcripts).
Identifiers: ClinVar variation 1544093 (VCV001544093.10), dbSNP rs147089729, ClinGen allele CA5095090.